The following is an entry in ClinVar:

ClinVar aggregate classification (germline): Uncertain significance (1 of 4 stars; one submission).

Submission:

Labcorp Genetics (formerly Invitae), Labcorp
Classification: Uncertain significance. Last evaluated: 2024-07-06. Review status: criteria provided, single submitter. Criteria: Invitae Variant Classification Sherloc (09022015). Collection method: clinical testing. Allele origin: germline.
Comment: This sequence change replaces alanine, which is neutral and non-polar, with threonine, which is neutral and polar, at codon 1426 of the SCN3A protein (p.Ala1426Thr). This variant is not present in population databases (gnomAD no frequency). This variant has not been reported in the literature in individuals affected with SCN3A-related conditions. ClinVar contains an entry for this variant (Variation ID: 2048526). Advanced modeling of protein sequence and biophysical properties (such as structural, functional, and spatial information, amino acid conservation, physicochemical variation, residue mobility, and thermodynamic stability) performed at Invitae indicates that this missense variant is expected to disrupt SCN3A protein function with a positive predictive value of 80%. In summary, the available evidence is currently insufficient to determine the role of this variant in disease. Therefore, it has been classified as a Variant of Uncertain Significance.

NM_006922.4(SCN3A):c.4276G>A (p.Ala1426Thr)

Gene: SCN3A (sodium voltage-gated channel alpha subunit 3; minus strand). Cytogenetic location: 2q24.3.
Variant type: single nucleotide variant.
Coding change: c.4276G>A on transcript NM_006922.4 (MANE Select); coding-DNA position 4276, G replaced by A.
Protein change: p.Ala1426Thr; replaces alanine 1426 with threonine.
Molecular consequence: missense variant.
Genome position (GRCh38, 1-based): chr2:165,096,484, C>T on the plus strand (G>A on the coding strand, the complement: SCN3A is on the minus strand). VCF-style: chr2-165096484-C-T. GRCh37 (hg19) VCF-style: chr2-165952994-C-T.
Other names: c.4129G>A, p.Ala1377Thr (NM_001081676.2, NM_001081677.2); short protein forms A1426T, A1377T.
Identifiers: ClinVar variation 2048526 (VCV002048526.4), dbSNP rs2468065399, ClinGen allele CA349024229.